The following is an entry in ClinVar:

ClinVar aggregate classification (germline): Uncertain significance. Review status: criteria provided, single submitter (1 of 4 stars). 2 submissions from 2 submitters: Uncertain significance (1). 1 of the submissions does not count toward it. Last evaluated 2024-04-10.

Conditions:
Fanconi anemia complementation group Q. Identifiers: Orphanet 84, MedGen C3808988, MONDO:0014108, OMIM 615272.
Xeroderma pigmentosum, group F (XPF). Also called: XERODERMA PIGMENTOSUM VI; XP, GROUP F; XERODERMA PIGMENTOSUM, COMPLEMENTATION GROUP F; XERODERMA PIGMENTOSUM, TYPE F; Xeroderma pigmentosum, type 6; ERCC4-Related Xeroderma Pigmentosum. Identifiers: MedGen C0268140, MONDO:0010215, OMIM 278760.
Cockayne syndrome. Identifiers: Orphanet 191, MedGen C0009207, MONDO:0016006.

Allele frequency attached by ClinVar (database versions not stated): ExAC 0.00001; gnomAD 0.00001; gnomAD exomes 0.00001.

Submissions (2):

Labcorp Genetics (formerly Invitae), Labcorp
Classification: Uncertain significance for Fanconi anemia complementation group Q; Xeroderma pigmentosum, group F; Cockayne syndrome. Last evaluated: 2024-04-10. Review status: criteria provided, single submitter. Criteria: Invitae Variant Classification Sherloc (09022015). Collection method: clinical testing. Allele origin: germline.
Comment: This sequence change replaces arginine, which is basic and polar, with cysteine, which is neutral and slightly polar, at codon 150 of the ERCC4 protein (p.Arg150Cys). This variant is present in population databases (rs145402255, gnomAD 0.003%). This missense change has been observed in individual(s) with hereditary breast and ovarian cancer (PMID: 24027083). ClinVar contains an entry for this variant (Variation ID: 929553). Advanced modeling of protein sequence and biophysical properties (such as structural, functional, and spatial information, amino acid conservation, physicochemical variation, residue mobility, and thermodynamic stability) performed at Invitae indicates that this missense variant is expected to disrupt ERCC4 protein function with a positive predictive value of 80%. Experimental studies are conflicting or provide insufficient evidence to determine the effect of this variant on ERCC4 function (PMID: 24027083). In summary, the available evidence is currently insufficient to determine the role of this variant in disease. Therefore, it has been classified as a Variant of Uncertain Significance.

Leiden Open Variation Database
Classification: Uncertain significance. Last evaluated: 2014-10-06. Review status: no assertion criteria provided. Collection method: curation. Allele origin: germline. Affected: yes. Not counted in ClinVar's aggregate classification.
Comment: Curator: Arleen D. Auerbach. Submitter to LOVD: Ana Osorio.

Literature cited by the submitters: PubMed 24027083 (cited by Labcorp Genetics (formerly Invitae), Labcorp and Leiden Open Variation Database).

NM_005236.3(ERCC4):c.448C>T (p.Arg150Cys)

Gene: ERCC4 (ERCC excision repair 4, endonuclease catalytic subunit; plus strand). Cytogenetic location: 16p13.12.
Variant type: single nucleotide variant.
Coding change: c.448C>T on transcript NM_005236.3 (MANE Select); coding-DNA position 448, C replaced by T.
Protein change: p.Arg150Cys; replaces arginine 150 with cysteine.
Molecular consequence: missense variant.
Genome position (GRCh38, 1-based): chr16:13,926,620, C>T. VCF-style: chr16-13926620-C-T. GRCh37 (hg19) VCF-style: chr16-14020477-C-T.
Other names: short protein forms R150C.
Identifiers: ClinVar variation 929553 (VCV000929553.5), dbSNP rs145402255, ClinGen allele CA7910202.